The following is an entry in ClinVar:

NM_001127898.4(CLCN5):c.1191A>G (p.Ile397Met)

Gene: CLCN5 (Cl-/H+ antiporter 5; plus strand). Cytogenetic location: Xp11.23.
Variant type: single nucleotide variant.
Coding change: c.1191A>G on transcript NM_001127898.4 (MANE Select); coding-DNA position 1191, A replaced by G.
Protein change: p.Ile397Met; replaces isoleucine 397 with methionine.
Molecular consequence: missense variant.
Genome position (GRCh38, 1-based): chrX:50,086,504, A>G. VCF-style: chrX-50086504-A-G. GRCh37 (hg19) VCF-style: chrX-49851161-A-G.
Other names: c.981A>G, p.Ile327Met (NM_000084.5); c.1191A>G, p.Ile397Met (NM_001127899.4); c.1041A>G, p.Ile347Met (NM_001282163.2); short protein forms I327M, I347M, I397M.
Identifiers: ClinVar variation 3236145 (VCV003236145.3), dbSNP rs2519433878, ClinGen allele CA413185388.

ClinVar aggregate classification (germline): Uncertain significance. Review status: criteria provided, multiple submitters, no conflicts (2 of 4 stars). 2 submissions from 2 submitters: Uncertain significance (2). Last evaluated 2024-02-08.

Conditions:
Dent disease type 1 (DENT1). Also called: NEPHROLITHIASIS 2; NEPHROLITHIASIS, HYPERCALCIURIC, X-LINKED. Identifiers: Orphanet 1652, Orphanet 93622, MedGen C1848336, MONDO:0010225, OMIM 300009.

Allele frequency attached by ClinVar (database versions not stated): gnomAD exomes below 0.00001.
gnomAD v4.1: 1 of 1,210,772 alleles (0.000083%); highest among the groups gnomAD compares: Non-Finnish European, 0.00011%; no homozygotes.

Submissions (2):

Labcorp Genetics (formerly Invitae), Labcorp
Classification: Uncertain significance. Last evaluated: 2024-02-08. Review status: criteria provided, single submitter. Criteria: Invitae Variant Classification Sherloc (09022015). Collection method: clinical testing. Allele origin: germline.
Comment: This sequence change replaces isoleucine, which is neutral and non-polar, with methionine, which is neutral and non-polar, at codon 327 of the CLCN5 protein (p.Ile327Met). This variant is not present in population databases (gnomAD no frequency). This variant has not been reported in the literature in individuals affected with CLCN5-related conditions. An algorithm developed to predict the effect of missense changes on protein structure and function (PolyPhen-2) suggests that this variant is likely to be disruptive. In summary, the available evidence is currently insufficient to determine the role of this variant in disease. Therefore, it has been classified as a Variant of Uncertain Significance.

MVZ Medizinische Genetik Mainz
Classification: Uncertain significance for Dent disease type 1. Last evaluated: 2022-08-22. Review status: criteria provided, single submitter. Criteria: UK Practice Guidelines For Variant Classification V4 01 2020. Collection method: clinical testing. Allele origin: germline. Inheritance: X-linked dominant inheritance. Affected: yes. Observed: 1 variant allele.
Comment: ACMG Criteria: PM1_SUP, PM2_SUP, PP3, PP4